The following is an entry in ClinVar:

ClinVar aggregate classification (germline): Uncertain significance (1 of 4 stars; one submission).

Conditions:
Dyskeratosis congenita. Identifiers: Orphanet 1775, MedGen C0265965, MONDO:0015780.

gnomAD v4.1: 1 of 1,613,948 alleles (0.000062%); highest among the groups gnomAD compares: South Asian, 0.0011%; no homozygotes.

Submission:

Labcorp Genetics (formerly Invitae), Labcorp
Classification: Uncertain significance for Dyskeratosis congenita. Last evaluated: 2024-10-23. Review status: criteria provided, single submitter. Criteria: Invitae Variant Classification Sherloc (09022015). Collection method: clinical testing. Allele origin: germline.
Comment: This sequence change replaces glycine, which is neutral and non-polar, with serine, which is neutral and polar, at codon 1018 of the CTC1 protein (p.Gly1018Ser). This variant is not present in population databases (gnomAD no frequency). This variant has not been reported in the literature in individuals affected with CTC1-related conditions. Invitae Evidence Modeling of protein sequence and biophysical properties (such as structural, functional, and spatial information, amino acid conservation, physicochemical variation, residue mobility, and thermodynamic stability) indicates that this missense variant is not expected to disrupt CTC1 protein function with a negative predictive value of 80%. In summary, the available evidence is currently insufficient to determine the role of this variant in disease. Therefore, it has been classified as a Variant of Uncertain Significance.

NM_025099.6(CTC1):c.3052G>A (p.Gly1018Ser)

Gene: CTC1 (CST telomere replication complex component 1; minus strand). Cytogenetic location: 17p13.1.
Variant type: single nucleotide variant.
Coding change: c.3052G>A on transcript NM_025099.6 (MANE Select); coding-DNA position 3052, G replaced by A.
Protein change: p.Gly1018Ser; replaces glycine 1018 with serine.
Molecular consequence: missense variant. On other transcripts: non-coding transcript variant (1).
Genome position (GRCh38, 1-based): chr17:8,229,406, C>T on the plus strand (G>A on the coding strand, the complement: CTC1 is on the minus strand). VCF-style: chr17-8229406-C-T. GRCh37 (hg19) VCF-style: chr17-8132724-C-T.
Other names: c.3052G>A, p.Gly1018Ser (NM_001411067.1); short protein forms G1018S.
Identifiers: ClinVar variation 3609233 (VCV003609233.2).